The following is an entry in ClinVar:

ClinVar aggregate classification (germline): Uncertain significance (1 of 4 stars; one submission).

Conditions:
Multiple congenital exostosis (EXT). Also called: Multiple exostoses; Hereditary multiple osteochondromas; Hereditary multiple exostoses; Hereditary multiple exostosis; Multiple osteochondromas; MULTIPLE CARTILAGINOUS EXOSTOSES. Identifiers: Orphanet 321, MedGen C0015306, MONDO:0005508, HP:0002762.

Submission:

Labcorp Genetics (formerly Invitae), Labcorp
Classification: Uncertain significance for Multiple congenital exostosis. Last evaluated: 2025-04-28. Review status: criteria provided, single submitter. Criteria: Invitae Variant Classification Sherloc (09022015). Collection method: clinical testing. Allele origin: germline.
Comment: This sequence change replaces alanine, which is neutral and non-polar, with proline, which is neutral and non-polar, at codon 663 of the EXT1 protein (p.Ala663Pro). This variant is not present in population databases (gnomAD no frequency). This variant has not been reported in the literature in individuals affected with EXT1-related conditions. ClinVar contains an entry for this variant (Variation ID: 2128507). Invitae Evidence Modeling of protein sequence and biophysical properties (such as structural, functional, and spatial information, amino acid conservation, physicochemical variation, residue mobility, and thermodynamic stability) has been performed for this missense variant. However, the output from this modeling did not meet the statistical confidence thresholds required to predict the impact of this variant on EXT1 protein function. In summary, the available evidence is currently insufficient to determine the role of this variant in disease. Therefore, it has been classified as a Variant of Uncertain Significance.

NM_000127.3(EXT1):c.1987G>C (p.Ala663Pro)

Gene: EXT1 (exostosin glycosyltransferase 1; minus strand). Cytogenetic location: 8q24.11.
Variant type: single nucleotide variant.
Coding change: c.1987G>C on transcript NM_000127.3 (MANE Select); coding-DNA position 1987, G replaced by C.
Protein change: p.Ala663Pro; replaces alanine 663 with proline.
Molecular consequence: missense variant.
Genome position (GRCh38, 1-based): chr8:117,804,790, C>G on the plus strand (G>C on the coding strand, the complement: EXT1 is on the minus strand). VCF-style: chr8-117804790-C-G. GRCh37 (hg19) VCF-style: chr8-118817029-C-G.
Other names: short protein forms A663P.
Identifiers: ClinVar variation 2128507 (VCV002128507.4), dbSNP rs2129693653, ClinGen allele CA371877077.